The following is an entry in ClinVar:

ClinVar aggregate classification (germline): Uncertain significance (1 of 4 stars; one submission).

gnomAD v4.1: 23 of 1,612,812 alleles (0.0014%); highest among the groups gnomAD compares: Middle Eastern, 0.016%; no homozygotes.

Submission:

CeGaT Center for Human Genetics Tuebingen
Classification: Uncertain significance. Last evaluated: 2026-06-01. Review status: criteria provided, single submitter. Criteria: CeGaT Center For Human Genetics Tuebingen Variant Classification Criteria Version 2. Collection method: clinical testing. Allele origin: germline. Affected: yes. Observed: 1 variant allele.
Comment: FHOD3: PM2:Supporting

NM_001281740.3(FHOD3):c.2602C>T (p.Arg868Trp)

Gene: FHOD3 (formin homology 2 domain containing 3; plus strand). Cytogenetic location: 18q12.2.
Variant type: single nucleotide variant.
Coding change: c.2602C>T on transcript NM_001281740.3 (MANE Select); coding-DNA position 2602, C replaced by T.
Protein change: p.Arg868Trp; replaces arginine 868 with tryptophan.
Molecular consequence: missense variant.
Genome position (GRCh38, 1-based): chr18:36,717,900, C>T. VCF-style: chr18-36717900-C-T. GRCh37 (hg19) VCF-style: chr18-34297863-C-T.
Other names: c.2026C>T, p.Arg676Trp (NM_001281739.3); c.2077C>T, p.Arg693Trp (NM_025135.5); short protein forms R676W, R693W, R868W.
Identifiers: ClinVar variation 4872572 (VCV004872572.2).